The following is an entry in ClinVar:

NM_182961.4(SYNE1):c.19433A>G (p.Gln6478Arg)

Gene: SYNE1 (spectrin repeat containing nuclear envelope protein 1; minus strand). Cytogenetic location: 6q25.2.
Variant type: single nucleotide variant.
Coding change: c.19433A>G on transcript NM_182961.4 (MANE Select); coding-DNA position 19433, A replaced by G.
Protein change: p.Gln6478Arg; replaces glutamine 6478 with arginine.
Molecular consequence: missense variant.
Genome position (GRCh38, 1-based): chr6:152,254,917, T>C on the plus strand (A>G on the coding strand, the complement: SYNE1 is on the minus strand). VCF-style: chr6-152254917-T-C. GRCh37 (hg19) VCF-style: chr6-152576052-T-C.
Other names: c.19220A>G, p.Gln6407Arg (NM_033071.5); short protein forms Q6407R, Q6478R.
Identifiers: ClinVar variation 1471123 (VCV001471123.8), dbSNP rs2153619732, ClinGen allele CA366135793.

ClinVar aggregate classification (germline): Uncertain significance (1 of 4 stars; one submission).

Conditions:
Autosomal recessive ataxia, Beauce type. Also called: SYNE1-Related Autosomal Recessive Cerebellar Ataxia; Spinocerebellar ataxia, autosomal recessive 8; ATAXIA, RECESSIVE, OF BEAUCE; SYNE1 Deficiency. Identifiers: Orphanet 88644, MedGen C1853116, MONDO:0012549, OMIM 610743.
Emery-Dreifuss muscular dystrophy 4, autosomal dominant (EDMD4). Also called: EMERY-DREIFUSS MUSCULAR DYSTROPHY 4 WITH VARIABLE FEATURES. Identifiers: Orphanet 261, MedGen C2751807, MONDO:0013071, OMIM 612998.

Submission:

Labcorp Genetics (formerly Invitae), Labcorp
Classification: Uncertain significance for Emery-Dreifuss muscular dystrophy 4, autosomal dominant; Autosomal recessive ataxia, Beauce type. Last evaluated: 2021-06-05. Review status: criteria provided, single submitter. Criteria: Invitae Variant Classification Sherloc (09022015). Collection method: clinical testing. Allele origin: germline.
Comment: This variant is not present in population databases (ExAC no frequency). This variant has not been reported in the literature in individuals with SYNE1-related conditions. Algorithms developed to predict the effect of missense changes on protein structure and function (SIFT, PolyPhen-2, Align-GVGD) all suggest that this variant is likely to be disruptive, but these predictions have not been confirmed by published functional studies and their clinical significance is uncertain. This sequence change replaces glutamine with arginine at codon 6407 of the SYNE1 protein (p.Gln6407Arg). The glutamine residue is highly conserved and there is a small physicochemical difference between glutamine and arginine. In summary, the available evidence is currently insufficient to determine the role of this variant in disease. Therefore, it has been classified as a Variant of Uncertain Significance.